The following is an entry in ClinVar:

ClinVar aggregate classification (germline): Uncertain significance (1 of 4 stars; one submission).

Conditions:
Disseminated atypical mycobacterial infection. Identifiers: MedGen C0694566.

gnomAD v4.1: 1 of 1,614,156 alleles (0.000062%); highest among the groups gnomAD compares: Non-Finnish European, 0.000085%; no homozygotes.

Submission:

Labcorp Genetics (formerly Invitae), Labcorp
Classification: Uncertain significance for Disseminated atypical mycobacterial infection. Last evaluated: 2024-04-03. Review status: criteria provided, single submitter. Criteria: Invitae Variant Classification Sherloc (09022015). Collection method: clinical testing. Allele origin: germline.
Comment: This sequence change replaces threonine, which is neutral and polar, with serine, which is neutral and polar, at codon 357 of the IFNGR1 protein (p.Thr357Ser). This variant is present in population databases (no rsID available, gnomAD 0.0009%). This variant has not been reported in the literature in individuals affected with IFNGR1-related conditions. Advanced modeling of protein sequence and biophysical properties (such as structural, functional, and spatial information, amino acid conservation, physicochemical variation, residue mobility, and thermodynamic stability) performed at Invitae indicates that this missense variant is not expected to disrupt IFNGR1 protein function with a negative predictive value of 80%. Algorithms developed to predict the effect of sequence changes on RNA splicing suggest that this variant may create or strengthen a splice site. In summary, the available evidence is currently insufficient to determine the role of this variant in disease. Therefore, it has been classified as a Variant of Uncertain Significance.

NM_000416.3(IFNGR1):c.1070C>G (p.Thr357Ser)

Gene: IFNGR1 (interferon gamma receptor 1; minus strand). Cytogenetic location: 6q23.3.
Variant type: single nucleotide variant.
Coding change: c.1070C>G on transcript NM_000416.3 (MANE Select); coding-DNA position 1070, C replaced by G.
Protein change: p.Thr357Ser; replaces threonine 357 with serine.
Molecular consequence: missense variant.
Genome position (GRCh38, 1-based): chr6:137,198,431, G>C on the plus strand (C>G on the coding strand, the complement: IFNGR1 is on the minus strand). VCF-style: chr6-137198431-G-C. GRCh37 (hg19) VCF-style: chr6-137519568-G-C.
Other names: c.1040C>G, p.Thr347Ser (NM_001363526.1); c.947C>G, p.Thr316Ser (NM_001363527.1); short protein forms T347S, T357S, T316S.
Identifiers: ClinVar variation 3632932 (VCV003632932.2).